The following is an entry in ClinVar:

NM_001845.6(COL4A1):c.3641C>T (p.Pro1214Leu)

Gene: COL4A1 (collagen type IV alpha 1 chain; minus strand). Cytogenetic location: 13q34.
Variant type: single nucleotide variant.
Coding change: c.3641C>T on transcript NM_001845.6 (MANE Select); coding-DNA position 3641, C replaced by T.
Protein change: p.Pro1214Leu; replaces proline 1214 with leucine.
Molecular consequence: missense variant.
Genome position (GRCh38, 1-based): chr13:110,170,648, G>A on the plus strand (C>T on the coding strand, the complement: COL4A1 is on the minus strand). VCF-style: chr13-110170648-G-A. GRCh37 (hg19) VCF-style: chr13-110822995-G-A.
Other names: c.3641C>T (NM_001845.4); short protein forms P1214L.
Identifiers: ClinVar variation 2050232 (VCV002050232.6), dbSNP rs751951004, ClinGen allele CA7047188.

ClinVar aggregate classification (germline): Conflicting classifications of pathogenicity. Review status: criteria provided, conflicting classifications (1 of 4 stars). 3 submissions from 3 submitters: Uncertain significance (2); Likely benign (1). Last evaluated 2025-05-13.

Conditions:
Inborn genetic diseases. Identifiers: MedGen C0950123, MeSH D030342.

Allele frequency attached by ClinVar (database versions not stated): TOPMed 0.00008; gnomAD exomes below 0.00001; ExAC 0.00004; gnomAD 0.00009.
gnomAD v4.1: 20 of 1,613,732 alleles (0.0012%); highest among the groups gnomAD compares: African/African-American, 0.016%; no homozygotes.

Submissions (3):

Ambry Genetics
Classification: Likely benign for Inborn genetic diseases. Last evaluated: 2025-05-13. Review status: criteria provided, single submitter. Criteria: Ambry Variant Classification Scheme 2023. Collection method: clinical testing. Allele origin: germline.

Labcorp Genetics (formerly Invitae), Labcorp
Classification: Uncertain significance. Last evaluated: 2024-10-15. Review status: criteria provided, single submitter. Criteria: Invitae Variant Classification Sherloc (09022015). Collection method: clinical testing. Allele origin: germline.
Comment: This sequence change replaces proline, which is neutral and non-polar, with leucine, which is neutral and non-polar, at codon 1214 of the COL4A1 protein (p.Pro1214Leu). This variant is present in population databases (rs751951004, gnomAD 0.03%). This variant has not been reported in the literature in individuals affected with COL4A1-related conditions. ClinVar contains an entry for this variant (Variation ID: 2050232). Invitae Evidence Modeling of protein sequence and biophysical properties (such as structural, functional, and spatial information, amino acid conservation, physicochemical variation, residue mobility, and thermodynamic stability) indicates that this missense variant is not expected to disrupt COL4A1 protein function with a negative predictive value of 95%. In summary, the available evidence is currently insufficient to determine the role of this variant in disease. Therefore, it has been classified as a Variant of Uncertain Significance.

Revvity Omics, Revvity
Classification: Uncertain significance. Last evaluated: 2024-05-02. Review status: criteria provided, single submitter. Criteria: ACMG Guidelines, 2015. Collection method: clinical testing. Allele origin: germline.